The following is an entry in ClinVar:

ClinVar aggregate classification (germline): Conflicting classifications of pathogenicity. Review status: criteria provided, conflicting classifications (1 of 4 stars). 6 submissions from 6 submitters: Uncertain significance (1); Likely benign (5). Last evaluated 2026-01-12.

Conditions:
Axenfeld-Rieger syndrome type 3 (RIEG3). Also called: AXENFELD-RIEGER ANOMALY WITH CARDIAC DEFECTS AND/OR SENSORINEURAL HEARING LOSS. Identifiers: Orphanet 782, MedGen C2678503, MONDO:0011233, OMIM 602482.
FOXC1-related disorder. Also called: FOXC1-related condition.

Submissions (6):

Labcorp Genetics (formerly Invitae), Labcorp
Classification: Likely benign for Axenfeld-Rieger syndrome type 3. Last evaluated: 2026-01-12. Review status: criteria provided, single submitter. Criteria: Invitae Variant Classification Sherloc (09022015). Collection method: clinical testing. Allele origin: germline.

Blueprint Genetics
Classification: Likely benign. Last evaluated: 2024-11-22. Review status: criteria provided, single submitter. Criteria: ACMG Guidelines, 2015. Collection method: clinical testing. Allele origin: germline.

PreventionGenetics, part of Exact Sciences
Classification: Likely benign for FOXC1-related condition. Last evaluated: 2024-10-21. Review status: criteria provided, single submitter. Criteria: ACMG Guidelines, 2015. Collection method: clinical testing. Allele origin: germline.
Comment: This variant is classified as likely benign based on ACMG/AMP sequence variant interpretation guidelines (Richards et al. 2015 PMID: 25741868, with internal and published modifications).

CeGaT Center for Human Genetics Tuebingen
Classification: Likely benign. Last evaluated: 2023-04-01. Review status: criteria provided, single submitter. Criteria: CeGaT Center For Human Genetics Tuebingen Variant Classification Criteria Version 2. Collection method: clinical testing. Allele origin: germline. Affected: yes. Observed: 1 variant allele.
Comment: FOXC1: BS1

GeneDx
Classification: Likely benign. Last evaluated: 2020-11-23. Review status: criteria provided, single submitter. Criteria: GeneDx Variant Classification Process June 2021. Collection method: clinical testing. Allele origin: germline. Affected: yes.

Eurofins Ntd Llc (ga)
Classification: Uncertain significance. Last evaluated: 2017-11-02. Review status: criteria provided, single submitter. Criteria: EGL Classification Definitions 2015. Collection method: clinical testing. Allele origin: germline. Observed: 1 variant allele, 1 heterozygote.

NM_001453.3(FOXC1):c.1464GGC[4] (p.Ala494_Ala495del)

Gene: FOXC1 (forkhead box C1; plus strand). Cytogenetic location: 6p25.3.
Variant type: Microsatellite.
Coding change: c.1464GGC[4] on transcript NM_001453.3 (MANE Select); four copies in a row of the 3-base unit GGC starting at c.1464; the reference has six copies in a row; two copies, 6 bases deleted.
Protein change: p.Ala494_Ala495del.
Molecular consequence: inframe deletion.
Genome position (GRCh38, 1-based): chr6:1,611,921-1,611,926, GGCGGC deleted; deleting any 6 consecutive bases within chr6:1,611,907-1,611,926 gives the same sequence; the position shown is the placement nearest the transcript's 3' end. VCF-style (leftmost placement, unchanged base first): chr6-1611906-CGCGGCG-C. GRCh37 (hg19) VCF-style: chr6-1612141-CGCGGCG-C.
Other names: c.1476_1481del6 (NM_001453.2).
Identifiers: ClinVar variation 594583 (VCV000594583.42), dbSNP rs747574884, ClinGen allele CA3614900.